The following is an entry in ClinVar:

NM_000038.6(APC):c.1941T>A (p.Ala647=)

Gene: APC (APC regulator of Wnt signaling pathway; plus strand). Cytogenetic location: 5q22.2.
Variant type: single nucleotide variant.
Coding change: c.1941T>A on transcript NM_000038.6 (MANE Select); coding-DNA position 1941, T replaced by A.
Protein change: p.Ala647=; no amino-acid change (alanine 647 retained).
Molecular consequence: synonymous variant.
Genome position (GRCh38, 1-based): chr5:112,835,148, T>A. VCF-style: chr5-112835148-T-A. GRCh37 (hg19) VCF-style: chr5-112170845-T-A.
Other names: c.1941T>A, p.Ala647= (NM_001127510.3, NM_001354895.2); c.1887T>A, p.Ala629= (NM_001127511.3); c.1995T>A, p.Ala665= (NM_001354896.2); c.1971T>A, p.Ala657= (NM_001354897.2); c.1866T>A, p.Ala622= (NM_001354898.2); c.1857T>A, p.Ala619= (NM_001354899.2); c.1818T>A, p.Ala606= (NM_001354900.2); c.1764T>A, p.Ala588= (NM_001354901.2); and 5 more.
Identifiers: ClinVar variation 789381 (VCV000789381.16), dbSNP rs1554083247, ClinGen allele CA445758942.

ClinVar aggregate classification (germline): Benign/Likely benign. Review status: criteria provided, multiple submitters, no conflicts (2 of 4 stars). 3 submissions from 3 submitters: Benign (1); Likely benign (2). Last evaluated 2025-03-20.

Conditions:
Familial adenomatous polyposis 1 (FAP1). Also called: FAMILIAL ADENOMATOUS POLYPOSIS 1, ATTENUATED; POLYPOSIS, ADENOMATOUS INTESTINAL. Identifiers: MedGen C2713442, MONDO:0021056, OMIM 175100. Disease mechanism: loss of function.
Hereditary cancer-predisposing syndrome. Also called: Tumor predisposition; Hereditary neoplastic syndrome; Hereditary Cancer Syndrome; Neoplastic Syndromes, Hereditary. Identifiers: Orphanet 140162, MedGen C0027672, MeSH D009386, MONDO:0015356.

Submissions (3):

Labcorp Genetics (formerly Invitae), Labcorp
Classification: Likely benign for Familial adenomatous polyposis 1. Last evaluated: 2025-03-20. Review status: criteria provided, single submitter. Criteria: Invitae Variant Classification Sherloc (09022015). Collection method: clinical testing. Allele origin: germline.

Myriad Genetics, Inc.
Classification: Benign for Familial adenomatous polyposis 1. Last evaluated: 2024-03-07. Review status: criteria provided, single submitter. Criteria: Myriad Autosomal Dominant, Autosomal Recessive and X-Linked Classification Criteria (2023). Collection method: clinical testing. Allele origin: unknown.
Comment: This variant is considered benign. This variant is a silent/synonymous amino acid change and it is not expected to impact splicing.

Ambry Genetics
Classification: Likely benign for Hereditary cancer-predisposing syndrome. Last evaluated: 2019-03-20. Review status: criteria provided, single submitter. Criteria: Ambry Variant Classification Scheme 2023. Collection method: clinical testing. Allele origin: germline.